The following is an entry in ClinVar:

NM_001289808.2(CRYAB):c.511G>T (p.Ala171Ser)

Gene: CRYAB (crystallin alpha B; minus strand). Cytogenetic location: 11q23.1.
Variant type: single nucleotide variant.
Coding change: c.511G>T on transcript NM_001289808.2 (MANE Select); coding-DNA position 511, G replaced by T.
Protein change: p.Ala171Ser; replaces alanine 171 with serine.
Molecular consequence: missense variant.
Genome position (GRCh38, 1-based): chr11:111,908,781, C>A on the plus strand (G>T on the coding strand, the complement: CRYAB is on the minus strand). VCF-style: chr11-111908781-C-A. GRCh37 (hg19) VCF-style: chr11-111779505-C-A.
Other names: c.511G>T, p.Ala171Ser (NM_001289807.1, NM_001368245.1, NM_001885.3); c.310G>T, p.Ala104Ser (NM_001330379.1, NM_001368246.1); short protein forms A104S, A171S.
Identifiers: ClinVar variation 1922527 (VCV001922527.2), dbSNP rs370803064, ClinGen allele CA382595360.

ClinVar aggregate classification (germline): Uncertain significance (1 of 4 stars; one submission).

Conditions:
Dilated cardiomyopathy 1II (CMD1II). Identifiers: Orphanet 154, MedGen C3554649, MONDO:0014073, OMIM 615184.

gnomAD v4.1: 1 of 1,612,772 alleles (0.000062%); highest among the groups gnomAD compares: Non-Finnish European, 0.000085%; no homozygotes.

Submission:

Labcorp Genetics (formerly Invitae), Labcorp
Classification: Uncertain significance for Dilated cardiomyopathy 1II. Last evaluated: 2021-12-23. Review status: criteria provided, single submitter. Criteria: Invitae Variant Classification Sherloc (09022015). Collection method: clinical testing. Allele origin: germline.
Comment: This sequence change replaces alanine, which is neutral and non-polar, with serine, which is neutral and polar, at codon 171 of the CRYAB protein (p.Ala171Ser). This variant is not present in population databases (gnomAD no frequency). This variant has not been reported in the literature in individuals affected with CRYAB-related conditions. Algorithms developed to predict the effect of missense changes on protein structure and function (SIFT, PolyPhen-2, Align-GVGD) all suggest that this variant is likely to be tolerated. In summary, the available evidence is currently insufficient to determine the role of this variant in disease. Therefore, it has been classified as a Variant of Uncertain Significance.